The following is an entry in ClinVar:

NM_020822.3(KCNT1):c.299G>A (p.Arg100Gln)

Gene: KCNT1 (potassium sodium-activated channel subfamily T member 1; plus strand). Cytogenetic location: 9q34.3.
Variant type: single nucleotide variant.
Coding change: c.299G>A on transcript NM_020822.3 (MANE Select); coding-DNA position 299, G replaced by A.
Protein change: p.Arg100Gln; replaces arginine 100 with glutamine.
Molecular consequence: missense variant.
Genome position (GRCh38, 1-based): chr9:135,750,142, G>A. VCF-style: chr9-135750142-G-A. GRCh37 (hg19) VCF-style: chr9-138641988-G-A.
Other names: c.155G>A, p.Arg52Gln (NM_001272003.2); short protein forms R100Q, R52Q.
Identifiers: ClinVar variation 196502 (VCV000196502.12), dbSNP rs752032951, ClinGen allele CA243474.

ClinVar aggregate classification (germline): Conflicting classifications of pathogenicity. Review status: criteria provided, conflicting classifications (1 of 4 stars). 3 submissions from 3 submitters: Uncertain significance (2); Likely benign (1). Last evaluated 2024-06-03.

Conditions:
Developmental and epileptic encephalopathy, 14 (DEE14). Also called: Early infantile epileptic encephalopathy 14. Identifiers: Orphanet 293181, MedGen C3554195, MONDO:0013989, OMIM 614959.
Autosomal dominant nocturnal frontal lobe epilepsy 5. Also called: Epilepsy, nocturnal frontal lobe, 5; CILIARY DYSKINESIA, PRIMARY, 28, WITHOUT SITUS INVERSUS; CILIARY DYSKINESIA, PRIMARY, 28, WITH SITUS INVERSUS; KCNT1-Related Epilepsy. Identifiers: Orphanet 98784, MedGen C3554306, MONDO:0014002, OMIM 615005.

Allele frequency attached by ClinVar (database versions not stated): gnomAD 0.00001 and 0.00002; gnomAD exomes 0.00001 and 0.00002; ExAC 0.00003; TOPMed 0.00003.
gnomAD v4.1: 17 of 1,613,712 alleles (0.0011%); highest among the groups gnomAD compares: Middle Eastern, 0.016%; no homozygotes.

Submissions (3):

Labcorp Genetics (formerly Invitae), Labcorp
Classification: Uncertain significance for Autosomal dominant nocturnal frontal lobe epilepsy 5; Developmental and epileptic encephalopathy, 14. Last evaluated: 2024-06-03. Review status: criteria provided, single submitter. Criteria: Invitae Variant Classification Sherloc (09022015). Collection method: clinical testing. Allele origin: germline.
Comment: This sequence change replaces arginine, which is basic and polar, with glutamine, which is neutral and polar, at codon 100 of the KCNT1 protein (p.Arg100Gln). This variant is present in population databases (rs752032951, gnomAD 0.006%). This variant has not been reported in the literature in individuals affected with KCNT1-related conditions. ClinVar contains an entry for this variant (Variation ID: 196502). Advanced modeling of protein sequence and biophysical properties (such as structural, functional, and spatial information, amino acid conservation, physicochemical variation, residue mobility, and thermodynamic stability) has been performed at Invitae for this missense variant, however the output from this modeling did not meet the statistical confidence thresholds required to predict the impact of this variant on KCNT1 protein function. This variant disrupts the p.Arg100 amino acid residue in KCNT1. Other variant(s) that disrupt this residue have been determined to be pathogenic (Invitae). This suggests that this residue is clinically significant, and that variants that disrupt this residue are likely to be disease-causing. In summary, the available evidence is currently insufficient to determine the role of this variant in disease. Therefore, it has been classified as a Variant of Uncertain Significance.

GeneDx
Classification: Likely benign. Last evaluated: 2017-03-14. Review status: criteria provided, single submitter. Criteria: GeneDx Variant Classification (06012015). Collection method: clinical testing. Allele origin: germline. Affected: yes.
Comment: This variant is considered likely benign or benign based on one or more of the following criteria: it is a conservative change, it occurs at a poorly conserved position in the protein, it is predicted to be benign by multiple in silico algorithms, and/or has population frequency not consistent with disease.

Eurofins Ntd Llc (ga)
Classification: Uncertain significance. Last evaluated: 2015-04-23. Review status: criteria provided, single submitter. Criteria: EGL Classification Definitions 2015. Collection method: clinical testing. Allele origin: germline. Observed: 1 variant allele, 1 heterozygote.